The following is an entry in ClinVar:

ClinVar aggregate classification (germline): Benign/Likely benign. Review status: criteria provided, multiple submitters, no conflicts (2 of 4 stars). 15 submissions from 13 submitters: Benign (8); Likely benign (3). 4 of the submissions do not count toward it. Last evaluated 2026-02-03.

Conditions:
Neuropathy, hereditary sensory and autonomic, type 2A (HSAN2A). Also called: WNK1-Related HSAN2 (HSAN2A); MORVAN DISEASE; NEUROPATHY, CONGENITAL SENSORY; NEUROPATHY, HEREDITARY SENSORY RADICULAR, AUTOSOMAL RECESSIVE; NEUROPATHY, HEREDITARY SENSORY, TYPE IIA; NEUROPATHY, PROGRESSIVE SENSORY, OF CHILDREN. Identifiers: Orphanet 970, MedGen C2752089, MONDO:0024309, OMIM 201300.
Generalized epilepsy with febrile seizures plus, type 7 (GEFSP7). Also called: GEFS+, TYPE 7. Identifiers: Orphanet 36387, MedGen C2751778, MONDO:0013470, OMIM 613863.
SCN9A-related disorder. Also called: SCN9A-related disorders; SCN9A-related condition.
Inborn genetic diseases. Identifiers: MedGen C0950123, MeSH D030342.
Channelopathy-associated congenital insensitivity to pain, autosomal recessive. Also called: ASYMBOLIA FOR PAIN; CONGENITAL ANALGESIA, AUTOSOMAL RECESSIVE; Insensitivity to pain, channelopathy-associated. Identifiers: Orphanet 88642, Orphanet 970, MedGen C1855739, MONDO:0009459, OMIM 243000.
Paroxysmal extreme pain disorder (PEXPD). Also called: SCN9A Paroxysmal Extreme Pain Disorder (SCN9A-PEPD); PAIN, SUBMANDIBULAR, OCULAR, AND RECTAL, WITH FLUSHING; RECTAL PAIN, FAMILIAL. Identifiers: Orphanet 46348, MedGen C1833661, MONDO:0008179, OMIM 167400.
Primary erythromelalgia. Also called: SCN9A Erythromelalgia (SCN9A-EM); primary erythermalgia. Identifiers: Orphanet 306577, Orphanet 90026, MedGen C0014805, MONDO:0007571, OMIM 133020.

Allele frequency attached by ClinVar (database versions not stated): 1000 Genomes Project 30x 0.00062; TOPMed 0.00064; 1000 Genomes Project 0.00080; ESP Exome Variant Server 0.00102; gnomAD 0.00386.
gnomAD v4.1: 2,612 of 1,610,208 alleles (0.16%); highest among the groups gnomAD compares: Non-Finnish European, 0.1%; 23 homozygotes.

Submissions (15):

Labcorp Genetics (formerly Invitae), Labcorp
Classification: Benign for Neuropathy, hereditary sensory and autonomic, type 2A; Generalized epilepsy with febrile seizures plus, type 7. Last evaluated: 2026-02-03. Review status: criteria provided, single submitter. Criteria: Invitae Variant Classification Sherloc (09022015). Collection method: clinical testing. Allele origin: germline.

PreventionGenetics, part of Exact Sciences
Classification: Benign for SCN9A-related condition. Last evaluated: 2026-01-22. Review status: criteria provided, single submitter. Criteria: ACMG Guidelines, 2015. Collection method: clinical testing. Allele origin: germline.
Comment: This variant is classified as benign based on ACMG/AMP sequence variant interpretation guidelines (Richards et al. 2015 PMID: 25741868, with internal and published modifications).

CeGaT Center for Human Genetics Tuebingen
Classification: Likely benign. Last evaluated: 2025-08-01. Review status: criteria provided, single submitter. Criteria: CeGaT Center For Human Genetics Tuebingen Variant Classification Criteria Version 2. Collection method: clinical testing. Allele origin: germline. Affected: yes. Observed: 5 variant alleles.
Comment: SCN9A: BP4, BP7

Athena Diagnostics
Classification: Benign. Last evaluated: 2025-02-26. Review status: criteria provided, single submitter. Criteria: Athena Diagnostics Criteria. Collection method: clinical testing. Allele origin: unknown.
Comment: The frequency of this variant in the general population is higher than would generally be expected for pathogenic variants in this gene.

ARUP Laboratories, Molecular Genetics and Genomics, ARUP Laboratories
Classification: Benign. Last evaluated: 2024-02-23. Review status: criteria provided, single submitter. Criteria: ARUP Molecular Germline Variant Investigation Process 2024. Collection method: clinical testing. Allele origin: germline.

Ambry Genetics
Classification: Likely benign for Inborn genetic diseases. Last evaluated: 2019-07-11. Review status: criteria provided, single submitter. Criteria: Ambry Variant Classification Scheme 2023. Collection method: clinical testing. Allele origin: germline.

Illumina Laboratory Services, Illumina
Classification: Benign for Paroxysmal extreme pain disorder. Last evaluated: 2018-01-12. Review status: criteria provided, single submitter. Criteria: ICSL Variant Classification Criteria 13 December 2019. Collection method: clinical testing. Allele origin: germline.
Comment: This variant was observed in the ICSL laboratory as part of a predisposition screen in an ostensibly healthy population. It had not been previously curated by ICSL or reported in the Human Gene Mutation Database (HGMD: prior to June 1st, 2018), and was therefore a candidate for classification through an automated scoring system. Utilizing variant allele frequency, disease prevalence and penetrance estimates, and inheritance mode, an automated score was calculated to assess if this variant is too frequent to cause the disease. Based on the score and internal cut-off values, a variant classified as benign is not then subjected to further curation. The score for this variant resulted in a classification of benign for this disease.

Illumina Laboratory Services, Illumina
Classification: Likely benign for Channelopathy-associated congenital insensitivity to pain, autosomal recessive. Last evaluated: 2018-01-12. Review status: criteria provided, single submitter. Criteria: ICSL Variant Classification Criteria 13 December 2019. Collection method: clinical testing. Allele origin: germline.
Comment: This variant was observed in the ICSL laboratory as part of a predisposition screen in an ostensibly healthy population. It had not been previously curated by ICSL or reported in the Human Gene Mutation Database (HGMD: prior to June 1st, 2018), and was therefore a candidate for classification through an automated scoring system. Utilizing variant allele frequency, disease prevalence and penetrance estimates, and inheritance mode, an automated score was calculated to assess if this variant is too frequent to cause the disease. Based on the score and internal cut-off values, a variant classified as likely benign is not then subjected to further curation. The score for this variant resulted in a classification of likely benign for this disease.

Illumina Laboratory Services, Illumina
Classification: Benign for Primary erythromelalgia. Last evaluated: 2018-01-12. Review status: criteria provided, single submitter. Criteria: ICSL Variant Classification Criteria 13 December 2019. Collection method: clinical testing. Allele origin: germline.
Comment: the same text as in the submission from Illumina Laboratory Services, Illumina above.

GeneDx
Classification: Benign. Last evaluated: 2015-09-15. Review status: criteria provided, single submitter. Criteria: GeneDx Variant Classification (06012015). Collection method: clinical testing. Allele origin: germline. Affected: yes.
Comment: This variant is considered likely benign or benign based on one or more of the following criteria: it is a conservative change, it occurs at a poorly conserved position in the protein, it is predicted to be benign by multiple in silico algorithms, and/or has population frequency not consistent with disease.

Eurofins Ntd Llc (ga)
Classification: Benign. Last evaluated: 2014-04-09. Review status: criteria provided, single submitter. Criteria: EGL Classification Definitions 2015. Collection method: clinical testing. Allele origin: germline. Observed: 1 variant allele, 1 heterozygote.

Clinical Genetics DNA and cytogenetics Diagnostics Lab, Erasmus MC, Erasmus Medical Center
Classification: Likely benign. Review status: no assertion criteria provided. Collection method: clinical testing. Allele origin: germline. Affected: yes. Study: VKGL Data-share Consensus. Not counted in ClinVar's aggregate classification.

Clinical Genetics, Academic Medical Center
Classification: Benign. Review status: no assertion criteria provided. Collection method: clinical testing. Allele origin: germline. Affected: yes. Study: VKGL Data-share Consensus. Not counted in ClinVar's aggregate classification.

Genome Diagnostics Laboratory, University Medical Center Utrecht
Classification: Likely benign. Review status: no assertion criteria provided. Collection method: clinical testing. Allele origin: germline. Affected: yes. Study: VKGL Data-share Consensus. Not counted in ClinVar's aggregate classification.

Joint Genome Diagnostic Labs from Nijmegen and Maastricht, Radboudumc and MUMC+
Classification: Likely benign. Review status: no assertion criteria provided. Collection method: clinical testing. Allele origin: germline. Affected: yes. Study: VKGL Data-share Consensus. Not counted in ClinVar's aggregate classification.

NM_001365536.1(SCN9A):c.1398C>T (p.Ser466=)

Genes: SCN9A (sodium voltage-gated channel alpha subunit 9; minus strand), SCN1A-AS1 (SCN1A and SCN9A antisense RNA 1; plus strand). Cytogenetic location: 2q24.3.
Variant type: single nucleotide variant.
Coding change: c.1398C>T on transcript NM_001365536.1 (MANE Select); coding-DNA position 1398, C replaced by T.
Protein change: p.Ser466=; no amino-acid change (serine 466 retained).
Molecular consequence: synonymous variant.
Genome position (GRCh38, 1-based): chr2:166,286,540, G>A on the plus strand (C>T on the coding strand, the complement: SCN9A is on the minus strand). VCF-style: chr2-166286540-G-A. GRCh37 (hg19) VCF-style: chr2-167143050-G-A.
Other names: c.1398C>T, p.Ser466= (NM_002977.4).
Identifiers: ClinVar variation 167662 (VCV000167662.73), dbSNP rs201531206, ClinGen allele CA180419.